The following is an entry in ClinVar:

NM_198428.3(BBS9):c.2538C>T (p.Ile846=)

Gene: BBS9 (Bardet-Biedl syndrome 9; plus strand). Cytogenetic location: 7p14.3.
Variant type: single nucleotide variant.
Coding change: c.2538C>T on transcript NM_198428.3 (MANE Select); coding-DNA position 2538, C replaced by T.
Protein change: p.Ile846=; no amino-acid change (isoleucine 846 retained).
Molecular consequence: synonymous variant. On other transcripts: non-coding transcript variant (3), intron variant (1).
Genome position (GRCh38, 1-based): chr7:33,604,881, C>T. VCF-style: chr7-33604881-C-T. GRCh37 (hg19) VCF-style: chr7-33644493-C-T.
Other names: c.2433C>T, p.Ile811= (NM_001033604.2); c.2523C>T, p.Ile841= (NM_001033605.2); c.2538C>T, p.Ile846= (NM_001348036.1, NM_001348041.4, NM_001348043.3); c.1989C>T, p.Ile663= (NM_001348037.3); c.2265C>T, p.Ile755= (NM_001348038.3); c.2160C>T, p.Ile720= (NM_001348039.3); c.2418C>T, p.Ile806= (NM_001348040.3, NM_014451.4); c.2403C>T, p.Ile801= (NM_001348042.3); and 3 more.
Identifiers: ClinVar variation 360071 (VCV000360071.17), dbSNP rs376692708, ClinGen allele CA4214730.

ClinVar aggregate classification (germline): Conflicting classifications of pathogenicity. Review status: criteria provided, conflicting classifications (1 of 4 stars). 3 submissions from 3 submitters: Uncertain significance (1); Likely benign (1). 1 of the submissions does not count toward it. Last evaluated 2025-09-10.

Conditions:
Bardet-Biedl syndrome (BBS). Identifiers: Orphanet 110, MedGen C0752166, MONDO:0015229.
Bardet-Biedl syndrome 9 (BBS9). Identifiers: Orphanet 110, MedGen C1859567, MONDO:0014437, OMIM 615986.
BBS9-related disorder. Also called: BBS9-related condition.

Allele frequency attached by ClinVar (database versions not stated): TOPMed 0.00002; gnomAD 0.00003.
gnomAD v4.1: 17 of 1,612,094 alleles (0.0011%); highest among the groups gnomAD compares: East Asian, 0.02%; no homozygotes.

Submissions (3):

Labcorp Genetics (formerly Invitae), Labcorp
Classification: Likely benign for Bardet-Biedl syndrome. Last evaluated: 2025-09-10. Review status: criteria provided, single submitter. Criteria: Invitae Variant Classification Sherloc (09022015). Collection method: clinical testing. Allele origin: germline.

Illumina Laboratory Services, Illumina
Classification: Uncertain significance for Bardet-Biedl syndrome 9. Last evaluated: 2018-01-12. Review status: criteria provided, single submitter. Criteria: ICSL Variant Classification Criteria 13 December 2019. Collection method: clinical testing. Allele origin: germline.

PreventionGenetics, part of Exact Sciences
Classification: Likely benign for BBS9-related condition. Last evaluated: 2019-03-27. Review status: no assertion criteria provided. Collection method: clinical testing. Allele origin: germline. Not counted in ClinVar's aggregate classification.
Comment: This variant is classified as likely benign based on ACMG/AMP sequence variant interpretation guidelines (Richards et al. 2015 PMID: 25741868, with internal and published modifications).